The following is an entry in ClinVar:

NM_001291415.2(KDM6A):c.2491C>T (p.Gln831Ter)

Gene: KDM6A (lysine demethylase 6A; plus strand). Cytogenetic location: Xp11.3.
Variant type: single nucleotide variant.
Coding change: c.2491C>T on transcript NM_001291415.2 (MANE Select); coding-DNA position 2491, C replaced by T.
Protein change: p.Gln831Ter; replaces glutamine 831 with a stop codon.
Molecular consequence: nonsense. On other transcripts: non-coding transcript variant (1).
Genome position (GRCh38, 1-based): chrX:45,069,990, C>T. VCF-style: chrX-45069990-C-T. GRCh37 (hg19) VCF-style: chrX-44929235-C-T.
Other names: c.2356C>T, p.Gln786Ter (NM_001291416.2); c.2200C>T, p.Gln734Ter (NM_001291417.2); c.2098C>T, p.Gln700Ter (NM_001291418.2); c.1447C>T, p.Gln483Ter (NM_001291421.2); c.2335C>T, p.Gln779Ter (NM_021140.4); short protein forms Q483*, Q700*, Q734*, Q779*, Q786*, Q831*.
Identifiers: ClinVar variation 1333634 (VCV001333634.1), dbSNP rs2148047495, ClinGen allele CA412794608.

ClinVar aggregate classification (germline): Likely pathogenic (1 of 4 stars; one submission).

Conditions:
Kabuki syndrome 2 (KABUK2). Also called: KDM6A-Related Kabuki Syndrome. Identifiers: Orphanet 2322, MedGen C3275495, MONDO:0010465, OMIM 300867.

Submission:

3billion
Classification: Likely pathogenic for Kabuki syndrome 2. Last evaluated: 2022-01-03. Review status: criteria provided, single submitter. Criteria: ACMG Guidelines, 2015. Collection method: clinical testing. Allele origin: germline. Affected: yes. Observed: 1 hemizygote.
Comment: Stop-gained (nonsense): predicted to result in a loss or disruption of normal protein function through nonsense-mediated decay (NMD) or protein truncation. Multiple pathogenic variants are reported downstream of the variant (PVS1_VS). It is not observed in the gnomAD v2.1.1 dataset (PM2_M). Therefore, this variant is classified as likely pathogenic according to the recommendation of ACMG/AMP guideline.